The following is an entry in ClinVar:

NM_015631.6(TCTN3):c.11C>T (p.Pro4Leu)

Genes: TCTN3 (tectonic family member 3; minus strand), LOC130004408 (ATAC-STARR-seq lymphoblastoid active region 3801; plus strand). Cytogenetic location: 10q24.1.
Variant type: single nucleotide variant.
Coding change: c.11C>T on transcript NM_015631.6 (MANE Select); coding-DNA position 11, C replaced by T.
Protein change: p.Pro4Leu; replaces proline 4 with leucine.
Molecular consequence: missense variant.
Genome position (GRCh38, 1-based): chr10:95,693,889, G>A on the plus strand (C>T on the coding strand, the complement: TCTN3 is on the minus strand). VCF-style: chr10-95693889-G-A. GRCh37 (hg19) VCF-style: chr10-97453646-G-A.
Other names: c.11C>T (NM_015631.5); c.11C>T, p.Pro4Leu (NM_001143973.2); short protein forms P4L.
Identifiers: ClinVar variation 1405538 (VCV001405538.9), dbSNP rs1399269953, ClinGen allele CA377714608.

ClinVar aggregate classification (germline): Uncertain significance. Review status: criteria provided, multiple submitters, no conflicts (2 of 4 stars). 2 submissions from 2 submitters: Uncertain significance (2). Last evaluated 2025-03-18.

Conditions:
Inborn genetic diseases. Identifiers: MedGen C0950123, MeSH D030342.
Joubert syndrome 18 (JBTS18). Identifiers: Orphanet 2754, MedGen C3553758, MONDO:0013896, OMIM 614815.
Orofacial-digital syndrome IV (OFD4). Also called: BARAITSER-BURN SYNDROME; MOHR-MAJEWSKI SYNDROME; OFD SYNDROME WITH TIBIAL DEFECTS; OFD SYNDROME, BARAITSER-BURN TYPE; OFDS IV; ORAL-FACIAL-DIGITAL SYNDROME, TYPE IV. Identifiers: Orphanet 2753, MedGen C0406727, MONDO:0009794, OMIM 258860.

Allele frequency attached by ClinVar (database versions not stated): gnomAD 0.00002.
gnomAD v4.1: 4 of 1,551,536 alleles (0.00026%); highest among the groups gnomAD compares: East Asian, 0.0024%; no homozygotes.

Submissions (2):

Ambry Genetics
Classification: Uncertain significance for Inborn genetic diseases. Last evaluated: 2025-03-18. Review status: criteria provided, single submitter. Criteria: Ambry Variant Classification Scheme 2023. Collection method: clinical testing. Allele origin: germline.

Labcorp Genetics (formerly Invitae), Labcorp
Classification: Uncertain significance for Joubert syndrome 18; Orofacial-digital syndrome IV. Last evaluated: 2023-08-10. Review status: criteria provided, single submitter. Criteria: Invitae Variant Classification Sherloc (09022015). Collection method: clinical testing. Allele origin: germline.
Comment: This sequence change replaces proline, which is neutral and non-polar, with leucine, which is neutral and non-polar, at codon 4 of the TCTN3 protein (p.Pro4Leu). This variant is not present in population databases (gnomAD no frequency). This variant has not been reported in the literature in individuals affected with TCTN3-related conditions. ClinVar contains an entry for this variant (Variation ID: 1405538). Algorithms developed to predict the effect of missense changes on protein structure and function output the following: SIFT: "Not Available"; PolyPhen-2: "Possibly Damaging"; Align-GVGD: "Not Available". The leucine amino acid residue is found in multiple mammalian species, which suggests that this missense change does not adversely affect protein function. In summary, the available evidence is currently insufficient to determine the role of this variant in disease. Therefore, it has been classified as a Variant of Uncertain Significance.